The following is an entry in ClinVar:

NM_002691.4(POLD1):c.3045C>T (p.Cys1015=)

Gene: POLD1 (DNA polymerase delta 1, catalytic subunit; plus strand). Cytogenetic location: 19q13.33.
Variant type: single nucleotide variant.
Coding change: c.3045C>T on transcript NM_002691.4 (MANE Select); coding-DNA position 3045, C replaced by T.
Protein change: p.Cys1015=; no amino-acid change (cysteine 1015 retained).
Molecular consequence: synonymous variant. On other transcripts: non-coding transcript variant (1).
Genome position (GRCh38, 1-based): chr19:50,416,701, C>T. VCF-style: chr19-50416701-C-T. GRCh37 (hg19) VCF-style: chr19-50919958-C-T.
Other names: c.3045C>T, p.Cys1015= (NM_001256849.1); c.3123C>T, p.Cys1041= (NM_001308632.1).
Identifiers: ClinVar variation 537138 (VCV000537138.12), dbSNP rs1555793490, ClinGen allele CA508305537.

ClinVar aggregate classification (germline): Conflicting classifications of pathogenicity. Review status: criteria provided, conflicting classifications (1 of 4 stars). 3 submissions from 3 submitters: Uncertain significance (1); Likely benign (2). Last evaluated 2024-10-01.

Conditions:
Hereditary cancer-predisposing syndrome. Also called: Tumor predisposition; Neoplastic Syndromes, Hereditary; Hereditary Cancer Syndrome; Hereditary neoplastic syndrome. Identifiers: Orphanet 140162, MedGen C0027672, MeSH D009386, MONDO:0015356.
POLD1-related polyposis and colorectal cancer syndrome (CRCS10). Also called: Colorectal cancer 10; COLORECTAL CANCER, SUSCEPTIBILITY TO, ON CHROMOSOME 19q; Colorectal cancer, susceptibility to, 10. Identifiers: Orphanet 220460, MedGen C2675481, MONDO:0012953, OMIM 612591.

Allele frequency attached by ClinVar (database versions not stated): TOPMed 0.00001.

Submissions (3):

Labcorp Genetics (formerly Invitae), Labcorp
Classification: Likely benign for POLD1-related polyposis and colorectal cancer syndrome. Last evaluated: 2024-10-01. Review status: criteria provided, single submitter. Criteria: Invitae Variant Classification Sherloc (09022015). Collection method: clinical testing. Allele origin: germline.

GeneDx
Classification: Uncertain significance. Last evaluated: 2024-09-24. Review status: criteria provided, single submitter. Criteria: GeneDx Variant Classification Process June 2021. Collection method: clinical testing. Allele origin: germline. Affected: yes.
Comment: Not observed at significant frequency in large population cohorts (gnomAD); In silico analysis indicates that this variant does not alter splicing; Has not been previously published as pathogenic or benign to our knowledge

Ambry Genetics
Classification: Likely benign for Hereditary cancer-predisposing syndrome. Last evaluated: 2019-06-19. Review status: criteria provided, single submitter. Criteria: Ambry Variant Classification Scheme 2023. Collection method: clinical testing. Allele origin: germline.